The following is an entry in ClinVar:

NM_001379286.1(ZNF423):c.1276G>T (p.Asp426Tyr)

Gene: ZNF423 (zinc finger protein 423; minus strand). Cytogenetic location: 16q12.1.
Variant type: single nucleotide variant.
Coding change: c.1276G>T on transcript NM_001379286.1 (MANE Select); coding-DNA position 1276, G replaced by T.
Protein change: p.Asp426Tyr; replaces aspartic acid 426 with tyrosine.
Molecular consequence: missense variant.
Genome position (GRCh38, 1-based): chr16:49,637,900, C>A on the plus strand (G>T on the coding strand, the complement: ZNF423 is on the minus strand). VCF-style: chr16-49637900-C-A. GRCh37 (hg19) VCF-style: chr16-49671811-C-A.
Other names: c.1072G>T, p.Asp358Tyr (NM_001271620.2); c.901G>T, p.Asp301Tyr (NM_001330533.2); c.1252G>T, p.Asp418Tyr (NM_015069.5); short protein forms D418Y, D426Y, D301Y, D358Y.
Identifiers: ClinVar variation 1479649 (VCV001479649.8), dbSNP rs780636926, ClinGen allele CA395849956.

ClinVar aggregate classification (germline): Uncertain significance (1 of 4 stars; one submission).

Conditions:
Nephronophthisis 14 (NPHP14). Identifiers: Orphanet 2318, MedGen C3539071, MONDO:0013916, OMIM 614844.

gnomAD v4.1: 3 of 1,614,174 alleles (0.00019%); highest among the groups gnomAD compares: Non-Finnish European, 0.00017%; no homozygotes.

Submission:

Labcorp Genetics (formerly Invitae), Labcorp
Classification: Uncertain significance for Nephronophthisis 14. Last evaluated: 2021-05-25. Review status: criteria provided, single submitter. Criteria: Invitae Variant Classification Sherloc (09022015). Collection method: clinical testing. Allele origin: germline.
Comment: In summary, the available evidence is currently insufficient to determine the role of this variant in disease. Therefore, it has been classified as a Variant of Uncertain Significance. Algorithms developed to predict the effect of sequence changes on RNA splicing suggest that this variant may create or strengthen a splice site, but this prediction has not been confirmed by published transcriptional studies. Algorithms developed to predict the effect of missense changes on protein structure and function are either unavailable or do not agree on the potential impact of this missense change (SIFT: "Deleterious"; PolyPhen-2: "Possibly Damaging"; Align-GVGD: "Class C15"). This variant has not been reported in the literature in individuals with ZNF423-related conditions. This variant is not present in population databases (ExAC no frequency). This sequence change replaces aspartic acid with tyrosine at codon 418 of the ZNF423 protein (p.Asp418Tyr). The aspartic acid residue is highly conserved and there is a large physicochemical difference between aspartic acid and tyrosine.